The following is an entry in ClinVar:

ClinVar aggregate classification (germline): Likely pathogenic (1 of 4 stars; one submission).

Conditions:
Autosomal recessive limb-girdle muscular dystrophy type 2J (LGMDR10). Also called: Limb-girdle muscular dystrophy, type 2J; MUSCULAR DYSTROPHY, LIMB-GIRDLE, AUTOSOMAL RECESSIVE 10. Identifiers: Orphanet 140922, MedGen C1837342, MONDO:0012127, OMIM 608807.
Dilated cardiomyopathy 1G (CMD1G). Identifiers: Orphanet 154, MedGen C1858763, MONDO:0011400, OMIM 604145.

Submission:

Labcorp Genetics (formerly Invitae), Labcorp
Classification: Likely pathogenic for Dilated cardiomyopathy 1G; Autosomal recessive limb-girdle muscular dystrophy type 2J. Last evaluated: 2024-10-18. Review status: criteria provided, single submitter. Criteria: Invitae Variant Classification Sherloc (09022015). Collection method: clinical testing. Allele origin: germline.
Comment: This variant results in the deletion of part of exon 96 (c.27608-19_27612del) of the TTN gene. It is expected to disrupt RNA splicing and likely results in a truncated or disrupted TTN protein. This variant is present in population databases (no rsID available, gnomAD 0.003%). This variant has not been reported in the literature in individuals affected with TTN-related conditions. This variant is located in the I band of TTN (PMID: 25589632). Truncating variants in this region have been reported in individuals affected with autosomal recessive centronuclear myopathy (PMID: 23975875, internal data). Truncating variants in this region have also been identified in individuals affected with autosomal dominant dilated cardiomyopathy and/or cardio-related conditions (PMID: 27869827, 32964742, internal data). In summary, the currently available evidence indicates that the variant is pathogenic, but additional data are needed to prove that conclusively. Therefore, this variant has been classified as Likely Pathogenic.

Literature cited by the submitters: PubMed 25589632; PubMed 23975875; PubMed 27869827; PubMed 32964742.

NM_001267550.2(TTN):c.27608-19_27612del

Gene: TTN (titin; minus strand). Cytogenetic location: 2q31.2.
Variant type: Deletion.
Coding change: c.27608-19_27612del on transcript NM_001267550.2 (MANE Select); 19 bases into the intron before coding-DNA position 27608 through coding-DNA position 27612, 24 bases deleted (TTATCTCTCTTGGCTGCAGAACCA).
Molecular consequence: splice acceptor variant. On other transcripts: intron variant (3).
Genome position (GRCh38, 1-based): chr2:178,712,218-178,712,241, TGGTTCTGCAGCCAAGAGAGATAA deleted on the plus strand (TTATCTCTCTTGGCTGCAGAACCA on the coding strand, the reverse complement: TTN is on the minus strand); deleting any 24 consecutive bases within chr2:178,712,218-178,712,242 gives the same sequence; the c. name uses the placement nearest the transcript's 3' end. VCF-style (leftmost placement, unchanged base first): chr2-178712217-GTGGTTCTGCAGCCAAGAGAGATAA-G. GRCh37 (hg19) VCF-style: chr2-179576944-GTGGTTCTGCAGCCAAGAGAGATAA-G.
Other names: c.13282+25841_13282+25864del (NM_003319.4); c.13858+25841_13858+25864del (NM_133437.4); c.13657+25841_13657+25864del (NM_133432.3); c.23876-19_23880del (NM_133378.4); c.26657-19_26661del (NM_001256850.1).
Identifiers: ClinVar variation 3751165 (VCV003751165.2).